The following is an entry in ClinVar:

ClinVar aggregate classification (germline): Uncertain significance. Review status: criteria provided, multiple submitters, no conflicts (2 of 4 stars). 3 submissions from 3 submitters: Uncertain significance (3). Last evaluated 2025-11-15.

Conditions:
Norman-Roberts syndrome (LIS2). Also called: Lissencephaly 2 (Norman-Roberts type). Identifiers: Orphanet 89844, MedGen C0796089, MONDO:0009760, OMIM 257320.
Familial temporal lobe epilepsy 7. Identifiers: Orphanet 101046, MedGen C4225327, MONDO:0014639, OMIM 616436.
Inborn genetic diseases. Identifiers: MedGen C0950123, MeSH D030342.

Allele frequency attached by ClinVar (database versions not stated): gnomAD 0.00001; TOPMed 0.00003; gnomAD exomes 0.00004 and 0.00009; ExAC 0.00005.
gnomAD v4.1: 126 of 1,614,056 alleles (0.0078%); highest among the groups gnomAD compares: Non-Finnish European, 0.011%; no homozygotes.

Submissions (3):

Labcorp Genetics (formerly Invitae), Labcorp
Classification: Uncertain significance for Familial temporal lobe epilepsy 7; Norman-Roberts syndrome. Last evaluated: 2025-11-15. Review status: criteria provided, single submitter. Criteria: Invitae Variant Classification Sherloc (09022015). Collection method: clinical testing. Allele origin: germline.
Comment: This sequence change replaces aspartic acid, which is acidic and polar, with asparagine, which is neutral and polar, at codon 2797 of the RELN protein (p.Asp2797Asn). This variant is present in population databases (rs765919904, gnomAD 0.008%). This variant has not been reported in the literature in individuals affected with RELN-related conditions. ClinVar contains an entry for this variant (Variation ID: 942671). Invitae Evidence Modeling of protein sequence and biophysical properties (such as structural, functional, and spatial information, amino acid conservation, physicochemical variation, residue mobility, and thermodynamic stability) indicates that this missense variant is not expected to disrupt RELN protein function with a negative predictive value of 80%. In summary, the available evidence is currently insufficient to determine the role of this variant in disease. Therefore, it has been classified as a Variant of Uncertain Significance.

Mayo Clinic Laboratories, Mayo Clinic
Classification: Uncertain significance. Last evaluated: 2024-12-26. Review status: criteria provided, single submitter. Criteria: ACMG Guidelines, 2015. Collection method: clinical testing. Allele origin: germline. Observed: 1 variant allele.
Comment: BP4

Ambry Genetics
Classification: Uncertain significance for Inborn genetic diseases. Last evaluated: 2021-04-28. Review status: criteria provided, single submitter. Criteria: Ambry Variant Classification Scheme 2023. Collection method: clinical testing. Allele origin: germline.
Comment: The c.8389G>A (p.D2797N) alteration is located in exon 52 (coding exon 52) of the RELN gene. This alteration results from a G to A substitution at nucleotide position 8389, causing the aspartic acid (D) at amino acid position 2797 to be replaced by an asparagine (N). The p.D2797N alteration is predicted to be tolerated by in silico analysis. Based on insufficient or conflicting evidence, the clinical significance of this alteration remains unclear.

NM_005045.4(RELN):c.8389G>A (p.Asp2797Asn)

Genes: SLC26A5-AS1 (SLC26A5 antisense RNA 1; plus strand), RELN (reelin; minus strand). Cytogenetic location: 7q22.1.
Variant type: single nucleotide variant.
Coding change: c.8389G>A on transcript NM_005045.4 (MANE Select); coding-DNA position 8389, G replaced by A.
Protein change: p.Asp2797Asn; replaces aspartic acid 2797 with asparagine.
Molecular consequence: missense variant.
Genome position (GRCh38, 1-based): chr7:103,503,116, C>T on the plus strand (G>A on the coding strand, the complement: RELN is on the minus strand). VCF-style: chr7-103503116-C-T. GRCh37 (hg19) VCF-style: chr7-103143563-C-T.
Other names: p.Asp2797Asn; c.8389G>A, p.Asp2797Asn (NM_173054.3); short protein forms D2797N.
Identifiers: ClinVar variation 942671 (VCV000942671.11), dbSNP rs765919904, ClinGen allele CA4420485.
Genomic context (GRCh38, chr7:103,503,116, plus strand): 5'-TCCACCCTTTAGTTGGAAAGAATACAGATGGCTGAGAAACACTTCCAGAGCATTTTGGGT[C>T]AGCAGGCAAGCACTGAGGGACCAGATAATTCCAACTCACACCGAAGTCAGTAGAATACTG-3'
Protein context (NP_005036.2, residues 2787-2807): NYLVPQCLPA[Asp2797Asn]PKCSGSVSQP